The following is an entry in ClinVar:

NM_002382.5(MAX):c.172-6208T>G

Gene: MAX (MYC associated transcriptional regulator X; minus strand). Cytogenetic location: 14q23.3.
Variant type: single nucleotide variant.
Coding change: c.172-6208T>G on transcript NM_002382.5 (MANE Select); 6208 bases into the intron before coding-DNA position 172, T replaced by G.
Molecular consequence: intron variant. On other transcripts: missense variant (3), 3 prime UTR variant (1), non-coding transcript variant (4).
Genome position (GRCh38, 1-based): chr14:65,084,244, A>C on the plus strand (T>G on the coding strand, the complement: MAX is on the minus strand). VCF-style: chr14-65084244-A-C. GRCh37 (hg19) VCF-style: chr14-65550962-A-C.
Other names: c.200T>G, p.Met67Arg (NM_001271068.2, NM_001407113.1); c.*1T>G (NM_001407114.1); c.227T>G, p.Met76Arg (NM_145114.3); c.144+9464T>G (NM_001271069.2); c.171+9464T>G (NM_197957.4); c.-196-6208T>G (NM_001407112.1, NM_001407111.1); c.-103-6208T>G (NM_001407106.1, NM_001407107.1, NM_001320415.2 and 1 more transcripts); c.145-6208T>G (NM_001407095.1, NM_001407110.1, NM_001407102.1 and 6 more transcripts); and 2 more; short protein forms M76R, M67R.
Identifiers: ClinVar variation 5023983 (VCV005023983.1).

ClinVar aggregate classification (germline): Uncertain significance (1 of 4 stars; one submission).

Conditions:
Hereditary cancer-predisposing syndrome. Also called: Neoplastic Syndromes, Hereditary; Tumor predisposition; Hereditary neoplastic syndrome; Hereditary Cancer Syndrome. Identifiers: Orphanet 140162, MedGen C0027672, MeSH D009386, MONDO:0015356.

gnomAD v4.1: 7 of 1,614,208 alleles (0.00043%); highest among the groups gnomAD compares: Non-Finnish European, 0.00051%; no homozygotes.

Submission:

Ambry Genetics
Classification: Uncertain significance for Hereditary cancer-predisposing syndrome. Last evaluated: 2026-07-07. Review status: criteria provided, single submitter. Criteria: Ambry Variant Classification Scheme 2023. Collection method: clinical testing. Allele origin: germline.
Comment: The p.M76R variant (also known as c.227T>G), located in coding exon 4 of the MAX gene, results from a T to G substitution at nucleotide position 227. The methionine at codon 76 is replaced by arginine, an amino acid with similar properties. This amino acid position is conserved. In addition, this alteration is predicted to be tolerated by in silico analysis. Based on the available evidence, the clinical significance of this variant remains unclear.